The following is an entry in ClinVar:

NM_003002.4(SDHD):c.95C>T (p.Ser32Leu)

Gene: SDHD (succinate dehydrogenase complex subunit D; plus strand). Cytogenetic location: 11q23.1.
Variant type: single nucleotide variant.
Coding change: c.95C>T on transcript NM_003002.4 (MANE Select); coding-DNA position 95, C replaced by T.
Protein change: p.Ser32Leu; replaces serine 32 with leucine.
Molecular consequence: missense variant. On other transcripts: non-coding transcript variant (1), intron variant (1).
Genome position (GRCh38, 1-based): chr11:112,087,899, C>T. VCF-style: chr11-112087899-C-T. GRCh37 (hg19) VCF-style: chr11-111958623-C-T.
Other names: c.95C>T, p.Ser32Leu (NM_001276503.2, NM_001276506.2); c.52+940C>T (NM_001276504.2); short protein forms S32L.
Identifiers: ClinVar variation 1462918 (VCV001462918.6), dbSNP rs104894305, ClinGen allele CA382616984.

ClinVar aggregate classification (germline): Uncertain significance (1 of 4 stars; one submission).

Conditions:
Carney-Stratakis syndrome. Also called: PARAGANGLIOMA AND GASTROINTESTINAL STROMAL TUMOR. Identifiers: Orphanet 97286, MedGen C1847319, MONDO:0011740, OMIM 606864.
Cowden syndrome 3 (CWS3). Identifiers: Orphanet 201, MedGen CN166604, MONDO:0014045.
Pheochromocytoma. Also called: MAX-Related Hereditary Paraganglioma-Pheochromocytoma Syndrome. Identifiers: Orphanet 29072, MedGen C0031511, MONDO:0008233, OMIM 171300, HP:0002666.
Paragangliomas with sensorineural hearing loss. Identifiers: MedGen C1868633.

Submission:

Labcorp Genetics (formerly Invitae), Labcorp
Classification: Uncertain significance for Carney-Stratakis syndrome; Paragangliomas with sensorineural hearing loss; Pheochromocytoma; Cowden syndrome 3. Last evaluated: 2024-10-11. Review status: criteria provided, single submitter. Criteria: Invitae Variant Classification Sherloc (09022015). Collection method: clinical testing. Allele origin: germline.
Comment: This sequence change replaces serine, which is neutral and polar, with leucine, which is neutral and non-polar, at codon 32 of the SDHD protein (p.Ser32Leu). This variant is not present in population databases (gnomAD no frequency). This variant has not been reported in the literature in individuals affected with SDHD-related conditions. ClinVar contains an entry for this variant (Variation ID: 1462918). Invitae Evidence Modeling of protein sequence and biophysical properties (such as structural, functional, and spatial information, amino acid conservation, physicochemical variation, residue mobility, and thermodynamic stability) indicates that this missense variant is not expected to disrupt SDHD protein function with a negative predictive value of 95%. Algorithms developed to predict the effect of sequence changes on RNA splicing suggest that this variant may disrupt the consensus splice site. In summary, the available evidence is currently insufficient to determine the role of this variant in disease. Therefore, it has been classified as a Variant of Uncertain Significance.